The following is an entry in ClinVar:

NM_001166108.2(PALLD):c.1965-12853C>A

Gene: PALLD (palladin, cytoskeletal associated protein; plus strand). Cytogenetic location: 4q32.3.
Variant type: single nucleotide variant.
Coding change: c.1965-12853C>A on transcript NM_001166108.2 (MANE Select); 12853 bases into the intron before coding-DNA position 1965, C replaced by A.
Molecular consequence: intron variant. On other transcripts: missense variant (1).
Genome position (GRCh38, 1-based): chr4:168,878,069, C>A. VCF-style: chr4-168878069-C-A. GRCh37 (hg19) VCF-style: chr4-169799220-C-A.
Other names: c.178C>A, p.Gln60Lys (NM_001166110.2); c.1965-12853C>A (NM_016081.4); c.819-12853C>A (NM_001166109.2); c.-157-12853C>A (NM_001367570.1, NM_001367568.1, NM_001367567.1 and 1 more transcripts); short protein forms Q60K.
Identifiers: ClinVar variation 3927497 (VCV003927497.1).

ClinVar aggregate classification (germline): Uncertain significance (1 of 4 stars; one submission).

gnomAD v4.1: 1 of 1,467,046 alleles (0.000068%); no homozygotes.

Submission:

Ambry Genetics
Classification: Uncertain significance. Last evaluated: 2025-05-31. Review status: criteria provided, single submitter. Criteria: Ambry Variant Classification Scheme 2023. Collection method: clinical testing. Allele origin: germline.
Comment: The p.Q60K variant (also known as c.178C>A), located in coding exon 1 of the PALLD gene, results from a C to A substitution at nucleotide position 178. The glutamine at codon 60 is replaced by lysine, an amino acid with similar properties. This amino acid position is conserved. In addition, this alteration is predicted to be tolerated by in silico analysis. Based on the available evidence, the clinical significance of this variant remains unclear.